The following is an entry in ClinVar:

NM_015135.3(NUP205):c.5077G>A (p.Asp1693Asn)

Gene: NUP205 (nucleoporin 205; plus strand). Cytogenetic location: 7q33.
Variant type: single nucleotide variant.
Coding change: c.5077G>A on transcript NM_015135.3 (MANE Select); coding-DNA position 5077, G replaced by A.
Protein change: p.Asp1693Asn; replaces aspartic acid 1693 with asparagine.
Molecular consequence: missense variant.
Genome position (GRCh38, 1-based): chr7:135,635,598, G>A. VCF-style: chr7-135635598-G-A. GRCh37 (hg19) VCF-style: chr7-135320346-G-A.
Other names: c.4003G>A, p.Asp1335Asn (NM_001329434.2); short protein forms D1335N, D1693N.
Identifiers: ClinVar variation 2415834 (VCV002415834.6), dbSNP rs2486216763, ClinGen allele CA369361815.

ClinVar aggregate classification (germline): Uncertain significance (1 of 4 stars; one submission).

Allele frequency attached by ClinVar (database versions not stated): gnomAD exomes below 0.00001.
gnomAD v4.1: 1 of 1,581,010 alleles (0.000063%); highest among the groups gnomAD compares: Non-Finnish European, 0.000087%; no homozygotes.

Submission:

Labcorp Genetics (formerly Invitae), Labcorp
Classification: Uncertain significance. Last evaluated: 2022-10-17. Review status: criteria provided, single submitter. Criteria: Invitae Variant Classification Sherloc (09022015). Collection method: clinical testing. Allele origin: germline.
Comment: In summary, the available evidence is currently insufficient to determine the role of this variant in disease. Therefore, it has been classified as a Variant of Uncertain Significance. Algorithms developed to predict the effect of missense changes on protein structure and function are either unavailable or do not agree on the potential impact of this missense change (SIFT: "Deleterious"; PolyPhen-2: "Benign"; Align-GVGD: "Class C0"). This variant has not been reported in the literature in individuals affected with NUP205-related conditions. This variant is not present in population databases (gnomAD no frequency). This sequence change replaces aspartic acid, which is acidic and polar, with asparagine, which is neutral and polar, at codon 1693 of the NUP205 protein (p.Asp1693Asn).